The following is an entry in ClinVar:

ClinVar aggregate classification (germline): Pathogenic (1 of 4 stars; one submission).

Allele frequency attached by ClinVar (database versions not stated): gnomAD exomes below 0.00001.
gnomAD v4.1: 3 of 1,613,736 alleles (0.00019%); highest among the groups gnomAD compares: Non-Finnish European, 0.00025%; no homozygotes.

Submission:

Labcorp Genetics (formerly Invitae), Labcorp
Classification: Pathogenic. Last evaluated: 2024-07-17. Review status: criteria provided, single submitter. Criteria: Invitae Variant Classification Sherloc (09022015). Collection method: clinical testing. Allele origin: germline.
Comment: This sequence change replaces proline, which is neutral and non-polar, with histidine, which is basic and polar, at codon 1490 of the USH2A protein (p.Pro1490His). This variant is not present in population databases (gnomAD no frequency). This missense change has been observed in individual(s) with clinical features of retinitis pigmentosa (Invitae). In at least one individual the data is consistent with being in trans (on the opposite chromosome) from a pathogenic variant. ClinVar contains an entry for this variant (Variation ID: 1018520). Advanced modeling of protein sequence and biophysical properties (such as structural, functional, and spatial information, amino acid conservation, physicochemical variation, residue mobility, and thermodynamic stability) performed at Invitae indicates that this missense variant is expected to disrupt USH2A protein function with a positive predictive value of 95%. For these reasons, this variant has been classified as Pathogenic.

NM_206933.4(USH2A):c.4469C>A (p.Pro1490His)

Gene: USH2A (usherin; minus strand). Cytogenetic location: 1q41.
Variant type: single nucleotide variant.
Coding change: c.4469C>A on transcript NM_206933.4 (MANE Select); coding-DNA position 4469, C replaced by A.
Protein change: p.Pro1490His; replaces proline 1490 with histidine.
Molecular consequence: missense variant.
Genome position (GRCh38, 1-based): chr1:216,175,410, G>T on the plus strand (C>A on the coding strand, the complement: USH2A is on the minus strand). VCF-style: chr1-216175410-G-T. GRCh37 (hg19) VCF-style: chr1-216348752-G-T.
Other names: c.4469C>A, p.Pro1490His (NM_007123.6); short protein forms P1490H.
Identifiers: ClinVar variation 1018520 (VCV001018520.5), dbSNP rs2034358073, ClinGen allele CA344863827.